The following is an entry in ClinVar:

ClinVar aggregate classification (germline): Uncertain significance. Review status: criteria provided, multiple submitters, no conflicts (2 of 4 stars). 4 submissions from 4 submitters: Uncertain significance (4). Last evaluated 2024-02-24.

Conditions:
Inborn genetic diseases. Identifiers: MedGen C0950123, MeSH D030342.
Pyridoxal phosphate-responsive seizures (PNPOD). Also called: Pyridoxal 5'-Phosphate (PLP)-Dependent Epilepsy; Pyridoxamine 5-Prime-Phosphate Oxidase Deficiency; Pyridoxine-5'-phosphate oxidase deficiency; EPILEPTIC ENCEPHALOPATHY, NEONATAL, PNPO-RELATED; SEIZURES, PYRIDOXINE-RESISTANT, PLP-SENSITIVE. Identifiers: Orphanet 79096, MedGen C1864723, MONDO:0012407, OMIM 610090. Disease mechanism: loss of function.

Allele frequency attached by ClinVar (database versions not stated): TOPMed 0.00002; gnomAD 0.00003; ESP Exome Variant Server 0.00015.

Submissions (4):

GeneDx
Classification: Uncertain significance. Last evaluated: 2024-02-24. Review status: criteria provided, single submitter. Criteria: GeneDx Variant Classification Process June 2021. Collection method: clinical testing. Allele origin: germline. Affected: yes.
Comment: Not observed at significant frequency in large population cohorts (gnomAD); In silico analysis, which includes protein predictors and evolutionary conservation, supports a deleterious effect; Has not been previously published as pathogenic or benign to our knowledge

Fulgent Genetics
Classification: Uncertain significance for Pyridoxal phosphate-responsive seizures. Last evaluated: 2021-12-08. Review status: criteria provided, single submitter. Criteria: ACMG Guidelines, 2015. Collection method: clinical testing. Allele origin: unknown.

Labcorp Genetics (formerly Invitae), Labcorp
Classification: Uncertain significance for Pyridoxal phosphate-responsive seizures. Last evaluated: 2021-10-11. Review status: criteria provided, single submitter. Criteria: Invitae Variant Classification Sherloc (09022015). Collection method: clinical testing. Allele origin: germline.
Comment: This sequence change replaces arginine with tryptophan at codon 233 of the PNPO protein (p.Arg233Trp). The arginine residue is moderately conserved and there is a moderate physicochemical difference between arginine and tryptophan. This variant is present in population databases (rs139643093, ExAC 0.01%). This variant has not been reported in the literature in individuals affected with PNPO-related conditions. Algorithms developed to predict the effect of missense changes on protein structure and function are either unavailable or do not agree on the potential impact of this missense change (SIFT: "Deleterious"; PolyPhen-2: "Benign"; Align-GVGD: "Class C0"). In summary, the available evidence is currently insufficient to determine the role of this variant in disease. Therefore, it has been classified as a Variant of Uncertain Significance.

Ambry Genetics
Classification: Uncertain significance for Inborn genetic diseases. Last evaluated: 2016-07-07. Review status: criteria provided, single submitter. Criteria: Ambry Variant Classification Scheme 2023. Collection method: clinical testing. Allele origin: germline.
Comment: The p.R233W variant (also known as c.697C>T), located in coding exon 7 of the PNPO gene, results from a C to T substitution at nucleotide position 697. The arginine at codon 233 is replaced by tryptophan, an amino acid with dissimilar properties. This variant was previously reported in the SNPDatabase as rs139643093. Based on data from the NHLBI Exome Sequencing Project (ESP), the T allele has an overall frequency of approximately 0.02% (2/13006) total alleles studied, having been observed in 0.02% (1/4406) African American alleles and 0.01% (1/8600) European American alleles. This amino acid position is highly conserved in available vertebrate species. In addition, this alteration is predicted to be deleterious by in silico analysis. Since supporting evidence is limited at this time, the clinical significance of this alteration remains unclear.

NM_018129.4(PNPO):c.697C>T (p.Arg233Trp)

Gene: PNPO (pyridoxamine 5'-phosphate oxidase; plus strand). Cytogenetic location: 17q21.32.
Variant type: single nucleotide variant.
Coding change: c.697C>T on transcript NM_018129.4 (MANE Select); coding-DNA position 697, C replaced by T.
Protein change: p.Arg233Trp; replaces arginine 233 with tryptophan.
Molecular consequence: missense variant.
Genome position (GRCh38, 1-based): chr17:47,946,693, C>T. VCF-style: chr17-47946693-C-T. GRCh37 (hg19) VCF-style: chr17-46024059-C-T.
Other names: short protein forms R233W.
Identifiers: ClinVar variation 589871 (VCV000589871.14), dbSNP rs139643093, ClinGen allele CA8629268.